The following is an entry in ClinVar:

NM_001430.5(EPAS1):c.*808C>A

Gene: EPAS1 (endothelial PAS domain protein 1; plus strand). Cytogenetic location: 2p21.
Variant type: single nucleotide variant.
Coding change: c.*808C>A on transcript NM_001430.5 (MANE Select); 808 bases downstream of the stop codon, C replaced by A.
Molecular consequence: 3 prime UTR variant.
Genome position (GRCh38, 1-based): chr2:46,385,468, C>A. VCF-style: chr2-46385468-C-A. GRCh37 (hg19) VCF-style: chr2-46612607-C-A.
Identifiers: ClinVar variation 336300 (VCV000336300.5), dbSNP rs368430355, ClinGen allele CA10613973.

ClinVar aggregate classification (germline): Benign (1 of 4 stars; one submission).

Conditions:
Erythrocytosis, familial, 4 (ECYT4). Identifiers: Orphanet 247511, MedGen C2673187, MONDO:0012729, OMIM 611783.

Allele frequency attached by ClinVar (database versions not stated): 1000 Genomes Project 0.00180; gnomAD 0.00355 and 0.00370; TOPMed 0.00337; 1000 Genomes Project 30x 0.00172.

Submission:

Illumina Laboratory Services, Illumina
Classification: Benign for Erythrocytosis, familial, 4. Last evaluated: 2018-01-13. Review status: criteria provided, single submitter. Criteria: ICSL Variant Classification Criteria 13 December 2019. Collection method: clinical testing. Allele origin: germline.
Comment: This variant was observed in the ICSL laboratory as part of a predisposition screen in an ostensibly healthy population. It had not been previously curated by ICSL or reported in the Human Gene Mutation Database (HGMD: prior to June 1st, 2018), and was therefore a candidate for classification through an automated scoring system. Utilizing variant allele frequency, disease prevalence and penetrance estimates, and inheritance mode, an automated score was calculated to assess if this variant is too frequent to cause the disease. Based on the score and internal cut-off values, a variant classified as benign is not then subjected to further curation. The score for this variant resulted in a classification of benign for this disease.